The following is an entry in ClinVar:

NM_001384317.1(ZHX3):c.496G>T (p.Gly166Cys)

Gene: ZHX3 (zinc fingers and homeoboxes 3; minus strand). Cytogenetic location: 20q12.
Variant type: single nucleotide variant.
Coding change: c.496G>T on transcript NM_001384317.1 (MANE Select); coding-DNA position 496, G replaced by T.
Protein change: p.Gly166Cys; replaces glycine 166 with cysteine.
Molecular consequence: missense variant.
Genome position (GRCh38, 1-based): chr20:41,204,421, C>A on the plus strand (G>T on the coding strand, the complement: ZHX3 is on the minus strand). VCF-style: chr20-41204421-C-A. GRCh37 (hg19) VCF-style: chr20-39833061-C-A.
Other names: c.496G>T, p.Gly166Cys (NM_001384315.1, NM_001384316.1, NM_001384318.1 and 8 more transcripts); short protein forms G166C.
Identifiers: ClinVar variation 91985 (VCV000091985.2), dbSNP rs386352383, ClinGen allele CA232297.

ClinVar aggregate classification (germline): Uncertain significance (0 of 4 stars; one submission).

Submission:

Richard Lifton Laboratory, Yale University School of Medicine
Classification: Uncertain significance. Review status: no assertion criteria provided. Collection method: not provided. Allele origin: somatic.
Comment: ZHX3
ClinVar note: Converted during submission from unknown to Uncertain significance.